The following is an entry in ClinVar:

NM_001366683.2(DOCK9):c.3633G>C (p.Pro1211=)

Gene: DOCK9 (dedicator of cytokinesis 9; minus strand). Cytogenetic location: 13q32.3.
Variant type: single nucleotide variant.
Coding change: c.3633G>C on transcript NM_001366683.2 (MANE Select); coding-DNA position 3633, G replaced by C.
Protein change: p.Pro1211=; no amino-acid change (proline 1211 retained).
Molecular consequence: synonymous variant.
Genome position (GRCh38, 1-based): chr13:98,860,469, C>G on the plus strand (G>C on the coding strand, the complement: DOCK9 is on the minus strand). VCF-style: chr13-98860469-C-G. GRCh37 (hg19) VCF-style: chr13-99512723-C-G.
Other names: c.3633G>C, p.Pro1211= (NM_001130048.2, NM_001130050.2, NM_001366679.2 and 4 more transcripts); c.3636G>C, p.Pro1212= (NM_001130049.2, NM_001318849.2, NM_015296.3); c.3669G>C, p.Pro1223= (NM_001366676.2, NM_001366677.2, NM_001366678.2).
Identifiers: ClinVar variation 4083619 (VCV004083619.8).

ClinVar aggregate classification (germline): Likely benign (1 of 4 stars; one submission).

gnomAD v4.1: 8,898 of 1,589,962 alleles (0.56%); highest among the groups gnomAD compares: Middle Eastern, 0.68%; 49 homozygotes.

Submission:

CeGaT Center for Human Genetics Tuebingen
Classification: Likely benign. Last evaluated: 2026-07-01. Review status: criteria provided, single submitter. Criteria: CeGaT Center For Human Genetics Tuebingen Variant Classification Criteria Version 2. Collection method: clinical testing. Allele origin: germline. Affected: yes. Observed: 2 variant alleles.
Comment: DOCK9: BP4, BP7, BS2